The following is an entry in ClinVar:

NM_018979.4(WNK1):c.3719T>C (p.Ile1240Thr)

Gene: WNK1 (WNK lysine deficient protein kinase 1; plus strand). Cytogenetic location: 12p13.33.
Variant type: single nucleotide variant.
Coding change: c.3719T>C on transcript NM_018979.4 (MANE Select); coding-DNA position 3719, T replaced by C.
Protein change: p.Ile1240Thr; replaces isoleucine 1240 with threonine.
Molecular consequence: missense variant.
Genome position (GRCh38, 1-based): chr12:883,829, T>C. VCF-style: chr12-883829-T-C. GRCh37 (hg19) VCF-style: chr12-992995-T-C.
Other names: c.4499T>C, p.Ile1500Thr (NM_001184985.2); c.2978T>C, p.Ile993Thr (NM_014823.3); c.4475T>C, p.Ile1492Thr (NM_213655.5); short protein forms I1492T, I1240T, I1500T, I993T.
Identifiers: ClinVar variation 4791572 (VCV004791572.1).

ClinVar aggregate classification (germline): Uncertain significance (1 of 4 stars; one submission).

Conditions:
Neuropathy, hereditary sensory and autonomic, type 2A (HSAN2A). Also called: ACROOSTEOLYSIS, GIACCAI TYPE; ACROOSTEOLYSIS, NEUROGENIC; MORVAN DISEASE; NEUROPATHY, CONGENITAL SENSORY; NEUROPATHY, HEREDITARY SENSORY RADICULAR, AUTOSOMAL RECESSIVE; NEUROPATHY, HEREDITARY SENSORY, TYPE IIA. Identifiers: Orphanet 970, MedGen C2752089, MONDO:0024309, OMIM 201300.
Pseudohypoaldosteronism type 2C (PHA2C). Also called: Pseudohypoaldosteronism Type IIC. Identifiers: Orphanet 757, Orphanet 88940, MedGen C1840391, MONDO:0013778, OMIM 614492.

gnomAD v4.1: 2 of 1,613,814 alleles (0.00012%); highest among the groups gnomAD compares: Non-Finnish European, 0.00017%; no homozygotes.

Submission:

Labcorp Genetics (formerly Invitae), Labcorp
Classification: Uncertain significance for Neuropathy, hereditary sensory and autonomic, type 2A; Pseudohypoaldosteronism type 2C. Last evaluated: 2025-10-22. Review status: criteria provided, single submitter. Criteria: Invitae Variant Classification Sherloc (09022015). Collection method: clinical testing. Allele origin: germline.
Comment: This sequence change replaces isoleucine, which is neutral and non-polar, with threonine, which is neutral and polar, at codon 1492 of the WNK1 protein (p.Ile1492Thr). This variant is not present in population databases (gnomAD no frequency). This variant has not been reported in the literature in individuals affected with WNK1-related conditions. An algorithm developed to predict the effect of missense changes on protein structure and function outputs the following: PolyPhen-2: "Not Available". The threonine amino acid residue is found in multiple mammalian species, which suggests that this missense change does not adversely affect protein function. In summary, the available evidence is currently insufficient to determine the role of this variant in disease. Therefore, it has been classified as a Variant of Uncertain Significance.